The following is an entry in ClinVar:

ClinVar aggregate classification (germline): Uncertain significance (1 of 4 stars; one submission).

Submission:

Labcorp Genetics (formerly Invitae), Labcorp
Classification: Uncertain significance. Last evaluated: 2025-01-09. Review status: criteria provided, single submitter. Criteria: Invitae Variant Classification Sherloc (09022015). Collection method: clinical testing. Allele origin: germline.
Comment: This sequence change replaces leucine, which is neutral and non-polar, with serine, which is neutral and polar, at codon 181 of the PLA2G4A protein (p.Leu181Ser). This variant is not present in population databases (gnomAD no frequency). This variant has not been reported in the literature in individuals affected with PLA2G4A-related conditions. Invitae Evidence Modeling of protein sequence and biophysical properties (such as structural, functional, and spatial information, amino acid conservation, physicochemical variation, residue mobility, and thermodynamic stability) indicates that this missense variant is not expected to disrupt PLA2G4A protein function with a negative predictive value of 80%. In summary, the available evidence is currently insufficient to determine the role of this variant in disease. Therefore, it has been classified as a Variant of Uncertain Significance.

NM_024420.3(PLA2G4A):c.542T>C (p.Leu181Ser)

Gene: PLA2G4A (phospholipase A2 group IVA; plus strand). Cytogenetic location: 1q31.1.
Variant type: single nucleotide variant.
Coding change: c.542T>C on transcript NM_024420.3 (MANE Select); coding-DNA position 542, T replaced by C.
Protein change: p.Leu181Ser; replaces leucine 181 with serine.
Molecular consequence: missense variant. On other transcripts: intron variant (1).
Genome position (GRCh38, 1-based): chr1:186,911,373, T>C. VCF-style: chr1-186911373-T-C. GRCh37 (hg19) VCF-style: chr1-186880505-T-C.
Other names: c.378+17162T>C (NM_001311193.2); short protein forms L181S.
Identifiers: ClinVar variation 3651348 (VCV003651348.2).